The following is an entry in ClinVar:

ClinVar aggregate classification (germline): Pathogenic/Likely pathogenic. Review status: criteria provided, multiple submitters, no conflicts (2 of 4 stars). 2 submissions from 2 submitters: Pathogenic (1); Likely pathogenic (1). Last evaluated 2025-07-19.

Conditions:
GDF5-related disorder. Also called: GDF5 (CDMP1)-related disorder; GDF5-related condition. Identifiers: MedGen CN169990.

Submissions (2):

Labcorp Genetics (formerly Invitae), Labcorp
Classification: Pathogenic. Last evaluated: 2025-07-19. Review status: criteria provided, single submitter. Criteria: Invitae Variant Classification Sherloc (09022015). Collection method: clinical testing. Allele origin: germline.
Comment: This sequence change creates a premature translational stop signal (p.Arg100Lysfs*6) in the GDF5 gene. It is expected to result in an absent or disrupted protein product. Loss-of-function variants in GDF5 are known to be pathogenic (PMID: 8589725, 9288091, 12121354, 12357473, 27577507). This variant is not present in population databases (gnomAD no frequency). This variant has not been reported in the literature in individuals affected with GDF5-related conditions. For these reasons, this variant has been classified as Pathogenic.

Blueprint Genetics
Classification: Likely pathogenic for GDF5-related disorders. Last evaluated: 2019-01-16. Review status: criteria provided, single submitter. Criteria: ACMG Guidelines, 2015. Collection method: clinical testing. Allele origin: germline. Affected: yes. Observed: 1 variant allele.

Literature cited by the submitters: PubMed 8589725 (cited by Labcorp Genetics (formerly Invitae), Labcorp); PubMed 9288091 (cited by Labcorp Genetics (formerly Invitae), Labcorp); PubMed 12121354 (cited by Labcorp Genetics (formerly Invitae), Labcorp); PubMed 12357473 (cited by Labcorp Genetics (formerly Invitae), Labcorp); PubMed 27577507 (cited by Labcorp Genetics (formerly Invitae), Labcorp).

NM_000557.5(GDF5):c.298dup (p.Arg100fs)

Gene: GDF5 (growth differentiation factor 5; minus strand). Cytogenetic location: 20q11.22.
Variant type: Duplication.
Coding change: c.298dup on transcript NM_000557.5 (MANE Select); coding-DNA position 298, one base duplicated (A; older notation c.298dupA).
Protein change: p.Arg100fs; shifts the reading frame from arginine 100.
Molecular consequence: frameshift variant.
Genome position (GRCh38, 1-based): chr20:35,437,631, T duplicated on the plus strand (A on the coding strand, the reverse complement: GDF5 is on the minus strand). VCF-style (leftmost placement, unchanged base first): chr20-35437630-C-CT. GRCh37 (hg19) VCF-style: chr20-34025410-C-CT.
Other names: c.298dup, p.Arg100fs (NM_001319138.2); short protein forms R100fs.
Identifiers: ClinVar variation 4768134 (VCV004768134.2).
Genomic context (GRCh38, chr20:35,437,630, plus strand): 5'-CGGGCTGTAGCCTGCCTTGTTTGGGGAGGGTGTCCTGGCTTGGGTTCAGGGCCGCCCGGT[C>CT]TGGGGGGCAGCTTTTTGGGTTCATCCTTCTTGGGCTGTGTCAGGCCTCCTGTCTGCCCGG-3'